The following is an entry in ClinVar:

ClinVar aggregate classification (germline): Uncertain significance (1 of 4 stars; one submission).

Submission:

Ambry Genetics
Classification: Uncertain significance. Last evaluated: 2024-07-27. Review status: criteria provided, single submitter. Criteria: Ambry Variant Classification Scheme 2023. Collection method: clinical testing. Allele origin: germline.
Comment: The p.L740F variant (also known as c.2218C>T), located in coding exon 13 of the NPAT gene, results from a C to T substitution at nucleotide position 2218. The leucine at codon 740 is replaced by phenylalanine, an amino acid with highly similar properties. This amino acid position is conserved. In addition, the in silico prediction for this alteration is inconclusive. Based on the available evidence, the clinical significance of this variant remains unclear.

NM_002519.3(NPAT):c.2218C>T (p.Leu740Phe)

Gene: NPAT (nuclear protein, coactivator of histone transcription; minus strand). Cytogenetic location: 11q22.3.
Variant type: single nucleotide variant.
Coding change: c.2218C>T on transcript NM_002519.3 (MANE Select); coding-DNA position 2218, C replaced by T.
Protein change: p.Leu740Phe; replaces leucine 740 with phenylalanine.
Molecular consequence: missense variant.
Genome position (GRCh38, 1-based): chr11:108,172,766, G>A on the plus strand (C>T on the coding strand, the complement: NPAT is on the minus strand). VCF-style: chr11-108172766-G-A. GRCh37 (hg19) VCF-style: chr11-108043493-G-A.
Other names: c.2218C>T, p.Leu740Phe (NM_001321307.1); short protein forms L740F.
Identifiers: ClinVar variation 3407179 (VCV003407179.1).
Genomic context (GRCh38, chr11:108,172,766, plus strand): 5'-CAGCACTGGTAAGTTCAGTATCTGAGGAAACAAATGGATCATCACTAATGATAACTTTGA[G>A]AGAGACGATATTTGATGCATCTATCTCTGCTGAGTTGTTGCTAGAAGGTTTATCATCAGT-3'
Protein context (NP_002510.2, residues 730-750): AEIDASNIVS[Leu740Phe]KVIISDDPFV